The following is an entry in ClinVar:

NM_004168.4(SDHA):c.1259A>G (p.Gln420Arg)

Gene: SDHA (succinate dehydrogenase complex flavoprotein subunit A; plus strand). Cytogenetic location: 5p15.33.
Variant type: single nucleotide variant.
Coding change: c.1259A>G on transcript NM_004168.4 (MANE Select); coding-DNA position 1259, A replaced by G.
Protein change: p.Gln420Arg; replaces glutamine 420 with arginine.
Molecular consequence: missense variant.
Genome position (GRCh38, 1-based): chr5:235,338, A>G. VCF-style: chr5-235338-A-G. GRCh37 (hg19) VCF-style: chr5-235453-A-G.
Other names: c.1115A>G, p.Gln372Arg (NM_001294332.2); c.1259A>G, p.Gln420Arg (NM_001330758.2); short protein forms Q420R, Q372R.
Identifiers: ClinVar variation 1038730 (VCV001038730.12), dbSNP rs1735709829, ClinGen allele CA359013782.

ClinVar aggregate classification (germline): Uncertain significance. Review status: criteria provided, multiple submitters, no conflicts (2 of 4 stars). 2 submissions from 2 submitters: Uncertain significance (2). Last evaluated 2025-11-05.

Conditions:
Hereditary cancer-predisposing syndrome. Also called: Tumor predisposition; Hereditary neoplastic syndrome; Neoplastic Syndromes, Hereditary; Hereditary Cancer Syndrome. Identifiers: Orphanet 140162, MedGen C0027672, MeSH D009386, MONDO:0015356.
Mitochondrial complex II deficiency, nuclear type 1. Also called: SUCCINATE CoQ REDUCTASE DEFICIENCY. Identifiers: Orphanet 3208, MedGen C5700310, MONDO:0100294, OMIM 252011.
Pheochromocytoma/paraganglioma syndrome 5. Also called: Paragangliomas 5; SDHA-Related Hereditary Paraganglioma-Pheochromocytoma Syndrome. Identifiers: Orphanet 29072, MedGen C3279992, MONDO:0013602, OMIM 614165.

Submissions (2):

Labcorp Genetics (formerly Invitae), Labcorp
Classification: Uncertain significance for Pheochromocytoma/paraganglioma syndrome 5; Mitochondrial complex II deficiency, nuclear type 1. Last evaluated: 2025-11-05. Review status: criteria provided, single submitter. Criteria: Invitae Variant Classification Sherloc (09022015). Collection method: clinical testing. Allele origin: germline.
Comment: This sequence change replaces glutamine, which is neutral and polar, with arginine, which is basic and polar, at codon 420 of the SDHA protein (p.Gln420Arg). This variant is not present in population databases (gnomAD no frequency). This variant has not been reported in the literature in individuals affected with SDHA-related conditions. ClinVar contains an entry for this variant (Variation ID: 1038730). An algorithm developed to predict the effect of missense changes on protein structure and function (PolyPhen-2) suggests that this variant is likely to be disruptive. Algorithms developed to predict the effect of sequence changes on RNA splicing suggest that this variant may disrupt the consensus splice site. In summary, the available evidence is currently insufficient to determine the role of this variant in disease. Therefore, it has been classified as a Variant of Uncertain Significance.

Ambry Genetics
Classification: Uncertain significance for Hereditary cancer-predisposing syndrome. Last evaluated: 2025-03-14. Review status: criteria provided, single submitter. Criteria: Ambry Variant Classification Scheme 2023. Collection method: clinical testing. Allele origin: germline.
Comment: The p.Q420R variant (also known as c.1259A>G), located in coding exon 9 of the SDHA gene, results from an A to G substitution at nucleotide position 1259. The glutamine at codon 420 is replaced by arginine, an amino acid with highly similar properties. This amino acid position is highly conserved in available vertebrate species. In addition, this alteration is predicted to be deleterious by in silico analysis. Since supporting evidence is limited at this time, the clinical significance of this alteration remains unclear.